The following is an entry in ClinVar:

NM_144599.5(NIPA1):c.834C>G (p.Ile278Met)

Gene: NIPA1 (NIPA magnesium transporter 1; plus strand). Cytogenetic location: 15q11.2.
Variant type: single nucleotide variant.
Coding change: c.834C>G on transcript NM_144599.5 (MANE Select); coding-DNA position 834, C replaced by G.
Protein change: p.Ile278Met; replaces isoleucine 278 with methionine.
Molecular consequence: missense variant.
Genome position (GRCh38, 1-based): chr15:22,824,083, C>G. VCF-style: chr15-22824083-C-G. GRCh37 (hg19) VCF-style: chr15-23048985-G-C.
Other names: c.609C>G, p.Ile203Met (NM_001142275.1); short protein forms I203M, I278M.
Identifiers: ClinVar variation 4281896 (VCV004281896.1).

ClinVar aggregate classification (germline): Uncertain significance (1 of 4 stars; one submission).

Submission:

GeneDx
Classification: Uncertain significance. Last evaluated: 2025-04-11. Review status: criteria provided, single submitter. Criteria: GeneDx Variant Classification Process June 2021. Collection method: clinical testing. Allele origin: germline. Affected: yes.
Comment: Not observed at significant frequency in large population cohorts (gnomAD); In silico analysis does not support a benign or deleterious effect of this variant on protein structure/function; Has not been previously published as pathogenic or benign to our knowledge